The following is an entry in ClinVar:

NM_001040142.2(SCN2A):c.4656C>G (p.Thr1552=)

Gene: SCN2A (sodium voltage-gated channel alpha subunit 2; plus strand). Cytogenetic location: 2q24.3.
Variant type: single nucleotide variant.
Coding change: c.4656C>G on transcript NM_001040142.2 (MANE Select); coding-DNA position 4656, C replaced by G.
Protein change: p.Thr1552=; no amino-acid change (threonine 1552 retained).
Molecular consequence: synonymous variant.
Genome position (GRCh38, 1-based): chr2:165,386,850, C>G. VCF-style: chr2-165386850-C-G. GRCh37 (hg19) VCF-style: chr2-166243360-C-G.
Other names: c.4656C>G (NM_021007.2); c.4656C>G, p.Thr1552= (NM_001040143.2, NM_001371246.1, NM_001371247.1 and 1 more transcripts).
Identifiers: ClinVar variation 1089843 (VCV001089843.11), dbSNP rs765041838, ClinGen allele CA1940312.

ClinVar aggregate classification (germline): Likely benign. Review status: criteria provided, multiple submitters, no conflicts (2 of 4 stars). 3 submissions from 3 submitters: Likely benign (3). Last evaluated 2024-12-31.

Conditions:
Developmental and epileptic encephalopathy, 11 (DEE11). Also called: Early infantile epileptic encephalopathy 11. Identifiers: Orphanet 1934, MedGen C3150987, MONDO:0013388, OMIM 613721.
Seizures, benign familial infantile, 3 (BFIS3). Also called: Familial neonatal seizures; CONVULSIONS, BENIGN FAMILIAL INFANTILE, 3. Identifiers: Orphanet 140927, Orphanet 306, MedGen C1843140, MONDO:0011904, OMIM 607745.

gnomAD v4.1: 22 of 1,613,832 alleles (0.0014%); highest among the groups gnomAD compares: South Asian, 0.0033%; no homozygotes.

Submissions (3):

Athena Diagnostics
Classification: Likely benign. Last evaluated: 2024-12-31. Review status: criteria provided, single submitter. Criteria: Athena Diagnostics Criteria. Collection method: clinical testing. Allele origin: unknown.
Comment: Computational tools yielded predictions that this variant is unlikely to have an effect on normal RNA splicing. This nucleotide position exhibits low evolutionary conservation.

Blueprint Genetics
Classification: Likely benign. Last evaluated: 2023-09-08. Review status: criteria provided, single submitter. Criteria: ACMG Guidelines, 2015. Collection method: clinical testing. Allele origin: germline.

Labcorp Genetics (formerly Invitae), Labcorp
Classification: Likely benign for Seizures, benign familial infantile, 3; Developmental and epileptic encephalopathy, 11. Last evaluated: 2019-06-19. Review status: criteria provided, single submitter. Criteria: Invitae Variant Classification Sherloc (09022015). Collection method: clinical testing. Allele origin: germline.